The following is an entry in ClinVar:

ClinVar aggregate classification (germline): Conflicting classifications of pathogenicity. Review status: criteria provided, conflicting classifications (1 of 4 stars). 2 submissions from 2 submitters: Uncertain significance (1); Likely benign (1). Last evaluated 2026-08-24.

Conditions:
VPS13B-related disorder. Also called: VPS13B-related condition.
Primary ciliary dyskinesia 28. Also called: CILIARY DYSKINESIA, PRIMARY, 28, WITH OR WITHOUT SITUS INVERSUS. Identifiers: Orphanet 244, MedGen C3809706, MONDO:0014216, OMIM 615505.

Allele frequency attached by ClinVar (database versions not stated): TOPMed below 0.00001; gnomAD exomes 0.00001.
gnomAD v4.1: 19 of 1,614,132 alleles (0.0012%); highest among the groups gnomAD compares: East Asian, 0.0045%; no homozygotes.

Submissions (2):

PreventionGenetics, part of Exact Sciences
Classification: Likely benign for VPS13B-related condition. Last evaluated: 2026-08-24. Review status: criteria provided, single submitter. Criteria: ACMG Guidelines, 2015. Collection method: clinical testing. Allele origin: germline.
Comment: This variant is classified as likely benign based on ACMG/AMP sequence variant interpretation guidelines (Richards et al. 2015 PMID: 25741868, with internal and published modifications).

Labcorp Genetics (formerly Invitae), Labcorp
Classification: Uncertain significance for Ciliary dyskinesia, primary, 28. Last evaluated: 2019-08-23. Review status: criteria provided, single submitter. Criteria: Invitae Variant Classification Sherloc (09022015). Collection method: clinical testing. Allele origin: germline.
Comment: This sequence change replaces tyrosine with histidine at codon 807 of the SPAG1 protein (p.Tyr807His). The tyrosine residue is moderately conserved and there is a moderate physicochemical difference between tyrosine and histidine. This variant is not present in population databases (ExAC no frequency). This variant has not been reported in the literature in individuals with SPAG1-related conditions. Algorithms developed to predict the effect of missense changes on protein structure and function are either unavailable or do not agree on the potential impact of this missense change (SIFT: "Deleterious"; PolyPhen-2: "Probably Damaging"; Align-GVGD: "Class C0"). In summary, the available evidence is currently insufficient to determine the role of this variant in disease. Therefore, it has been classified as a Variant of Uncertain Significance.

NM_003114.5(SPAG1):c.2419T>C (p.Tyr807His)

Genes: SPAG1 (sperm associated antigen 1; plus strand), VPS13B (vacuolar protein sorting 13 homolog B; plus strand). Cytogenetic location: 8q22.2.
Variant type: single nucleotide variant.
Coding change: c.2419T>C on transcript NM_003114.5 (MANE Select); coding-DNA position 2419, T replaced by C.
Protein change: p.Tyr807His; replaces tyrosine 807 with histidine.
Molecular consequence: missense variant.
Genome position (GRCh38, 1-based): chr8:100,240,541, T>C. VCF-style: chr8-100240541-T-C. GRCh37 (hg19) VCF-style: chr8-101252769-T-C.
Other names: c.2419T>C, p.Tyr807His (NM_001374321.1, NM_172218.3); short protein forms Y807H.
Identifiers: ClinVar variation 957526 (VCV000957526.2), dbSNP rs1204341591, ClinGen allele CA371818226.